The following is an entry in ClinVar:

NM_001128228.3(TPRN):c.389C>A (p.Pro130His)

Gene: TPRN (taperin; minus strand). Cytogenetic location: 9q34.3.
Variant type: single nucleotide variant.
Coding change: c.389C>A on transcript NM_001128228.3 (MANE Select); coding-DNA position 389, C replaced by A.
Protein change: p.Pro130His; replaces proline 130 with histidine.
Molecular consequence: missense variant.
Genome position (GRCh38, 1-based): chr9:137,200,323, G>T on the plus strand (C>A on the coding strand, the complement: TPRN is on the minus strand). VCF-style: chr9-137200323-G-T. GRCh37 (hg19) VCF-style: chr9-140094775-G-T.
Other names: short protein forms P130H.
Identifiers: ClinVar variation 1898018 (VCV001898018.7), dbSNP rs1206857823, ClinGen allele CA375783088.

ClinVar aggregate classification (germline): Uncertain significance. Review status: criteria provided, multiple submitters, no conflicts (2 of 4 stars). 3 submissions from 3 submitters: Uncertain significance (3). Last evaluated 2025-02-24.

Conditions:
Inborn genetic diseases. Identifiers: MedGen C0950123, MeSH D030342.

gnomAD v4.1: 4 of 1,008,866 alleles (0.0004%); highest among the groups gnomAD compares: Non-Finnish European, 0.00012%; no homozygotes.

Submissions (3):

Labcorp Genetics (formerly Invitae), Labcorp
Classification: Uncertain significance. Last evaluated: 2025-02-24. Review status: criteria provided, single submitter. Criteria: Invitae Variant Classification Sherloc (09022015). Collection method: clinical testing. Allele origin: germline.
Comment: This sequence change replaces proline, which is neutral and non-polar, with histidine, which is basic and polar, at codon 130 of the TPRN protein (p.Pro130His). The frequency data for this variant in the population databases is considered unreliable, as metrics indicate insufficient coverage at this position in the gnomAD database. This variant has not been reported in the literature in individuals affected with TPRN-related conditions. ClinVar contains an entry for this variant (Variation ID: 1898018). An algorithm developed to predict the effect of missense changes on protein structure and function (PolyPhen-2) suggests that this variant is likely to be disruptive. In summary, the available evidence is currently insufficient to determine the role of this variant in disease. Therefore, it has been classified as a Variant of Uncertain Significance.

Blueprint Genetics
Classification: Uncertain significance. Last evaluated: 2024-10-04. Review status: criteria provided, single submitter. Criteria: ACMG Guidelines, 2015. Collection method: clinical testing. Allele origin: germline.

Ambry Genetics
Classification: Uncertain significance for Inborn genetic diseases. Last evaluated: 2021-07-14. Review status: criteria provided, single submitter. Criteria: Ambry Variant Classification Scheme 2023. Collection method: clinical testing. Allele origin: germline.